The following is an entry in ClinVar:

NM_000381.4(MID1):c.535G>A (p.Glu179Lys)

Gene: MID1 (midline 1; minus strand). Cytogenetic location: Xp22.2.
Variant type: single nucleotide variant.
Coding change: c.535G>A on transcript NM_000381.4 (MANE Select); coding-DNA position 535, G replaced by A.
Protein change: p.Glu179Lys; replaces glutamic acid 179 with lysine.
Molecular consequence: missense variant.
Genome position (GRCh38, 1-based): chrX:10,567,013, C>T on the plus strand (G>A on the coding strand, the complement: MID1 is on the minus strand). VCF-style: chrX-10567013-C-T. GRCh37 (hg19) VCF-style: chrX-10535053-C-T.
Other names: c.535G>A, p.Glu179Lys (NM_001098624.2, NM_001193277.1, NM_001193278.1 and 5 more transcripts); short protein forms E179K.
Identifiers: ClinVar variation 1675326 (VCV001675326.1), dbSNP rs2147468779, ClinGen allele CA412048131.

ClinVar aggregate classification (germline): Uncertain significance (1 of 4 stars; one submission).

Conditions:
X-linked Opitz G/BBB syndrome (GBBB). Also called: Opitz-Frias syndrome; MID1-Related Opitz G/BBB Syndrome; OPITZ BBBG SYNDROME, TYPE I; OPITZ SYNDROME, X-LINKED; OPITZ-G SYNDROME, TYPE I. Identifiers: Orphanet 2745, MedGen C2936904, MONDO:0010222, OMIM 300000.

Submission:

Institute of Human Genetics, Clinical Exome/Genome Diagnostics Group, University Hospital Bonn
Classification: Uncertain significance for X-linked Opitz G/BBB syndrome. Last evaluated: 2022-03-23. Review status: criteria provided, single submitter. Criteria: ACMG Guidelines, 2015. Collection method: clinical testing. Allele origin: germline. Affected: yes.
Comment: PM2